The following is an entry in ClinVar:

NM_001005388.3(NFASC):c.536-4A>G

Gene: NFASC (neurofascin; plus strand). Cytogenetic location: 1q32.1.
Variant type: single nucleotide variant.
Coding change: c.536-4A>G on transcript NM_001005388.3 (MANE Select); 4 bases into the intron before coding-DNA position 536, A replaced by G.
Molecular consequence: intron variant.
Genome position (GRCh38, 1-based): chr1:204,957,652, A>G. VCF-style: chr1-204957652-A-G. GRCh37 (hg19) VCF-style: chr1-204926780-A-G.
Other names: c.536-4A>G (NM_001378329.1, NM_001005389.2); c.518-4A>G (NM_001160332.2, NM_015090.4, NM_001365986.1 and 4 more transcripts).
Identifiers: ClinVar variation 3039896 (VCV003039896.2), dbSNP rs1197779263, ClinGen allele CA528218077.

ClinVar aggregate classification (germline): Likely benign (0 of 4 stars; one submission).

Conditions:
NFASC-related disorder. Also called: NFASC-related condition.

Allele frequency attached by ClinVar (database versions not stated): gnomAD exomes below 0.00001; TOPMed 0.00002; gnomAD 0.00003.
gnomAD v4.1: 11 of 1,613,642 alleles (0.00068%); highest among the groups gnomAD compares: Non-Finnish European, 0.00093%; no homozygotes.

Submission:

PreventionGenetics, part of Exact Sciences
Classification: Likely benign for NFASC-related condition. Last evaluated: 2019-09-18. Review status: no assertion criteria provided. Collection method: clinical testing. Allele origin: germline.
Comment: This variant is classified as likely benign based on ACMG/AMP sequence variant interpretation guidelines (Richards et al. 2015 PMID: 25741868, with internal and published modifications).